The following is an entry in ClinVar:

NM_000390.4(CHM):c.958T>C (p.Phe320Leu)

Gene: CHM (CHM Rab escort protein; minus strand). Cytogenetic location: Xq21.2.
Variant type: single nucleotide variant.
Coding change: c.958T>C on transcript NM_000390.4 (MANE Select); coding-DNA position 958, T replaced by C.
Protein change: p.Phe320Leu; replaces phenylalanine 320 with leucine.
Molecular consequence: missense variant.
Genome position (GRCh38, 1-based): chrX:85,956,361, A>G on the plus strand (T>C on the coding strand, the complement: CHM is on the minus strand). VCF-style: chrX-85956361-A-G. GRCh37 (hg19) VCF-style: chrX-85211366-A-G.
Other names: c.514T>C, p.Phe172Leu (NM_001320959.1, NM_001362517.1, NM_001362518.2 and 1 more transcripts); short protein forms F172L, F320L.
Identifiers: ClinVar variation 2748225 (VCV002748225.3), dbSNP rs2520253228, ClinGen allele CA413785525.

ClinVar aggregate classification (germline): Uncertain significance (1 of 4 stars; one submission).

Submission:

Labcorp Genetics (formerly Invitae), Labcorp
Classification: Uncertain significance. Last evaluated: 2023-07-29. Review status: criteria provided, single submitter. Criteria: Invitae Variant Classification Sherloc (09022015). Collection method: clinical testing. Allele origin: germline.
Comment: This sequence change replaces phenylalanine, which is neutral and non-polar, with leucine, which is neutral and non-polar, at codon 320 of the CHM protein (p.Phe320Leu). This variant is not present in population databases (gnomAD no frequency). This variant has not been reported in the literature in individuals affected with CHM-related conditions. Advanced modeling of protein sequence and biophysical properties (such as structural, functional, and spatial information, amino acid conservation, physicochemical variation, residue mobility, and thermodynamic stability) performed at Invitae indicates that this missense variant is not expected to disrupt CHM protein function. In summary, the available evidence is currently insufficient to determine the role of this variant in disease. Therefore, it has been classified as a Variant of Uncertain Significance.